The following is an entry in ClinVar:

NM_000138.5(FBN1):c.6368A>T (p.Asp2123Val)

Gene: FBN1 (fibrillin 1; minus strand). Cytogenetic location: 15q21.1.
Variant type: single nucleotide variant.
Coding change: c.6368A>T on transcript NM_000138.5 (MANE Select); coding-DNA position 6368, A replaced by T.
Protein change: p.Asp2123Val; replaces aspartic acid 2123 with valine.
Molecular consequence: missense variant.
Genome position (GRCh38, 1-based): chr15:48,437,333, T>A on the plus strand (A>T on the coding strand, the complement: FBN1 is on the minus strand). VCF-style: chr15-48437333-T-A. GRCh37 (hg19) VCF-style: chr15-48729530-T-A.
Other names: c.6368A>T, p.Asp2123Val (NM_001406716.1); short protein forms D2123V.
Identifiers: ClinVar variation 2501637 (VCV002501637.1), dbSNP rs2505436844, ClinGen allele CA392336755.

ClinVar aggregate classification (germline): Uncertain significance (1 of 4 stars; one submission).

Submission:

GeneDx
Classification: Uncertain significance. Last evaluated: 2022-11-08. Review status: criteria provided, single submitter. Criteria: GeneDx Variant Classification Process June 2021. Collection method: clinical testing. Allele origin: germline. Affected: yes.
Comment: Not observed at significant frequency in large population cohorts (gnomAD); In silico analysis supports that this missense variant has a deleterious effect on protein structure/function; Has not been previously published as pathogenic or benign to our knowledge; Does not affect a cysteine residue within a calcium-binding EGF-like domain or a TGF-binding protein domain of the FBN1 gene; cysteine substitutions in the calcium-binding EGF-like domains represent the majority of pathogenic missense changes associated with FBN1-related disorders (Collod-Beroud et al., 2003); This variant is associated with the following publications: (PMID: 12938084)